The following is an entry in ClinVar:

NM_001042492.3(NF1):c.389A>T (p.His130Leu)

Gene: NF1 (neurofibromin 1; plus strand). Cytogenetic location: 17q11.2.
Variant type: single nucleotide variant.
Coding change: c.389A>T on transcript NM_001042492.3 (MANE Select); coding-DNA position 389, A replaced by T.
Protein change: p.His130Leu; replaces histidine 130 with leucine.
Molecular consequence: missense variant.
Genome position (GRCh38, 1-based): chr17:31,163,286, A>T. VCF-style: chr17-31163286-A-T. GRCh37 (hg19) VCF-style: chr17-29490304-A-T.
Other names: c.389A>T, p.His130Leu (NM_000267.4, NM_001128147.3); short protein forms H130L.
Identifiers: ClinVar variation 233235 (VCV000233235.13), dbSNP rs876660277, ClinGen allele CA10580189.

ClinVar aggregate classification (germline): Conflicting classifications of pathogenicity. Review status: criteria provided, conflicting classifications (1 of 4 stars). 5 submissions from 4 submitters: Uncertain significance (4); Benign (1). Last evaluated 2025-05-12.

Conditions:
Cardiovascular phenotype. Identifiers: MedGen CN230736.
Hereditary cancer-predisposing syndrome. Also called: Tumor predisposition; Hereditary Cancer Syndrome; Hereditary neoplastic syndrome; Neoplastic Syndromes, Hereditary. Identifiers: Orphanet 140162, MedGen C0027672, MeSH D009386, MONDO:0015356.
Neurofibromatosis, familial spinal (FSNF). Identifiers: Orphanet 636, MedGen C1834235, MONDO:0008078, OMIM 162210. Disease mechanism: loss of function.
Juvenile myelomonocytic leukemia (JMML). Also called: LEUKEMIA, JUVENILE MYELOMONOCYTIC, SOMATIC. Identifiers: Orphanet 86834, MedGen C0349639, MONDO:0011908, OMIM 607785, HP:0012209.
Neurofibromatosis, type 1 (NF1). Also called: VON RECKLINGHAUSEN DISEASE; NEUROFIBROMATOSIS, TYPE I, SOMATIC; Peripheral type neurofibromatosis; Neurofibromatosis, type I. Identifiers: Orphanet 636, MedGen C0027831, MONDO:0018975, OMIM 162200. Disease mechanism: loss of function.
Neurofibromatosis-Noonan syndrome (NFNS). Also called: NEUROFIBROMATOSIS WITH NOONAN PHENOTYPE. Identifiers: Orphanet 638, MedGen C2931482, MONDO:0011035, OMIM 601321. Disease mechanism: loss of function.
Café-au-lait macules with pulmonary stenosis (WTSN). Also called: PULMONIC STENOSIS WITH CAFE-AU-LAIT SPOTS. Identifiers: MedGen C0553586, MONDO:0008672, OMIM 193520.

gnomAD v4.1: 2 of 1,614,196 alleles (0.00012%); highest among the groups gnomAD compares: African/African-American, 0.0013%; no homozygotes.

Submissions (5):

Labcorp Genetics (formerly Invitae), Labcorp
Classification: Benign for Neurofibromatosis, type 1. Last evaluated: 2025-05-12. Review status: criteria provided, single submitter. Criteria: Invitae Variant Classification Sherloc (09022015). Collection method: clinical testing. Allele origin: germline.

Fulgent Genetics
Classification: Uncertain significance for Neurofibromatosis, type 1; Neurofibromatosis, familial spinal; Café-au-lait macules with pulmonary stenosis; Neurofibromatosis-Noonan syndrome; Juvenile myelomonocytic leukemia. Last evaluated: 2022-05-13. Review status: criteria provided, single submitter. Criteria: ACMG Guidelines, 2015. Collection method: clinical testing. Allele origin: unknown.

Genome-Nilou Lab
Classification: Uncertain significance for Neurofibromatosis, type 1. Last evaluated: 2022-03-15. Review status: criteria provided, single submitter. Criteria: ACMG Guidelines, 2015. Collection method: clinical testing. Allele origin: germline. Affected: no.

Ambry Genetics
Classification: Uncertain significance for Cardiovascular phenotype; Hereditary cancer-predisposing syndrome. Last evaluated: 2021-12-21. Review status: criteria provided, single submitter. Criteria: Ambry Variant Classification Scheme 2023. Collection method: clinical testing. Allele origin: germline.

Ambry Genetics
Classification: Uncertain significance for Hereditary cancer-predisposing syndrome. Last evaluated: 2015-07-23. Review status: criteria provided, single submitter. Criteria: Ambry Autosomal Dominant and X-Linked criteria (10/2015). Collection method: clinical testing. Allele origin: germline. Observed: 1 variant allele.
Comment: The p.H130L variant (also known as c.389A>T), located in coding exon 4 of the NF1 gene, results from an A to T substitution at nucleotide position 389. The histidine at codon 130 is replaced by leucine, an amino acid with somesimilar properties. This variant was not reported in population based cohorts in the following databases: Database of Single Nucleotide Polymorphisms (dbSNP), NHLBI Exome Sequencing Project (ESP), and 1000 Genomes Project. In the ESP, this variant was not observed in 6503 samples (13006 alleles) with coverage at this position. To date, this alteration has been detected with an allele frequency of approximately 0.002% (greater than 55000alleles tested) in our clinical cohort.This amino acid position is well conserved in available vertebrate species. In addition, this alteration is predicted to be deleterious by in silico analysis.Since supporting evidence is limited at this time, the clinical significance of p.H130Lremains unclear.